The following is an entry in ClinVar:

NM_004006.3(DMD):c.1246G>A (p.Glu416Lys)

Gene: DMD (dystrophin; minus strand). Cytogenetic location: Xp21.1.
Variant type: single nucleotide variant.
Coding change: c.1246G>A on transcript NM_004006.3 (MANE Select); coding-DNA position 1246, G replaced by A.
Protein change: p.Glu416Lys; replaces glutamic acid 416 with lysine.
Molecular consequence: missense variant.
Genome position (GRCh38, 1-based): chrX:32,644,217, C>T on the plus strand (G>A on the coding strand, the complement: DMD is on the minus strand). VCF-style: chrX-32644217-C-T. GRCh37 (hg19) VCF-style: chrX-32662334-C-T.
Other names: c.1222G>A, p.Glu408Lys (NM_000109.4); c.1234G>A, p.Glu412Lys (NM_004009.3); c.877G>A, p.Glu293Lys (NM_004010.3); short protein forms E408K, E293K, E412K, E416K.
Identifiers: ClinVar variation 2786437 (VCV002786437.3), dbSNP rs2519634102, ClinGen allele CA412661114.

ClinVar aggregate classification (germline): Uncertain significance (1 of 4 stars; one submission).

Conditions:
Duchenne muscular dystrophy (DMD). Also called: MUSCULAR DYSTROPHY, PSEUDOHYPERTROPHIC PROGRESSIVE, DUCHENNE TYPE; Duchenne Muscular Dystrophy (DMD). Identifiers: Orphanet 98896, MedGen C0013264, MONDO:0010679, OMIM 310200.

Allele frequency attached by ClinVar (database versions not stated): gnomAD exomes below 0.00001.
gnomAD v4.1: 1 of 1,210,599 alleles (0.000083%); highest among the groups gnomAD compares: Non-Finnish European, 0.00011%; no homozygotes.

Submission:

Labcorp Genetics (formerly Invitae), Labcorp
Classification: Uncertain significance for Duchenne muscular dystrophy. Last evaluated: 2024-08-13. Review status: criteria provided, single submitter. Criteria: Invitae Variant Classification Sherloc (09022015). Collection method: clinical testing. Allele origin: germline.
Comment: This sequence change replaces glutamic acid, which is acidic and polar, with lysine, which is basic and polar, at codon 416 of the DMD protein (p.Glu416Lys). This variant is not present in population databases (gnomAD no frequency). This variant has not been reported in the literature in individuals affected with DMD-related conditions. Invitae Evidence Modeling of protein sequence and biophysical properties (such as structural, functional, and spatial information, amino acid conservation, physicochemical variation, residue mobility, and thermodynamic stability) indicates that this missense variant is not expected to disrupt DMD protein function with a negative predictive value of 95%. In summary, the available evidence is currently insufficient to determine the role of this variant in disease. Therefore, it has been classified as a Variant of Uncertain Significance.